The following is an entry in ClinVar:

ClinVar aggregate classification (germline): Uncertain significance. Review status: criteria provided, multiple submitters, no conflicts (2 of 4 stars). 3 submissions from 3 submitters: Uncertain significance (3). Last evaluated 2023-04-27.

Conditions:
Primary dilated cardiomyopathy (DCM). Also called: Dilated Cardiomyopathy. Identifiers: Orphanet 217604, MedGen C0007193, MeSH D002311, MONDO:0005021, HP:0001644. Inheritance: Various modes of inheritance.
Cardiovascular phenotype. Identifiers: MedGen CN230736.
Charcot-Marie-Tooth disease type 2. Also called: Charcot-Marie-Tooth type 2. Identifiers: Orphanet 64746, MedGen C0270914, MONDO:0018993.

Allele frequency attached by ClinVar (database versions not stated): TOPMed below 0.00001.

Submissions (3):

All of Us Research Program, National Institutes of Health
Classification: Uncertain significance for Primary dilated cardiomyopathy. Last evaluated: 2023-04-27. Review status: criteria provided, single submitter. Criteria: ACMG Guidelines, 2015. Collection method: clinical testing. Allele origin: germline. Inheritance: Autosomal dominant inheritance. Observed: 1 variant allele, 1 heterozygote.
Comment: This study involves interpretation of variants in research participants for the purpose of population health screening. Participant phenotype was not available at the time of variant classification. Additional details can be found in publication PMID: 35346344, PMCID: PMC8962531

Labcorp Genetics (formerly Invitae), Labcorp
Classification: Uncertain significance for Charcot-Marie-Tooth disease type 2. Last evaluated: 2023-03-23. Review status: criteria provided, single submitter. Criteria: Invitae Variant Classification Sherloc (09022015). Collection method: clinical testing. Allele origin: germline.
Comment: This sequence change replaces aspartic acid, which is acidic and polar, with asparagine, which is neutral and polar, at codon 243 of the LMNA protein (p.Asp243Asn). This variant is not present in population databases (gnomAD no frequency). This variant has not been reported in the literature in individuals affected with LMNA-related conditions. ClinVar contains an entry for this variant (Variation ID: 1758064). Advanced modeling of protein sequence and biophysical properties (such as structural, functional, and spatial information, amino acid conservation, physicochemical variation, residue mobility, and thermodynamic stability) performed at Invitae indicates that this missense variant is expected to disrupt LMNA protein function. In summary, the available evidence is currently insufficient to determine the role of this variant in disease. Therefore, it has been classified as a Variant of Uncertain Significance.

Ambry Genetics
Classification: Uncertain significance for Cardiovascular phenotype. Last evaluated: 2022-10-26. Review status: criteria provided, single submitter. Criteria: Ambry Variant Classification Scheme 2023. Collection method: clinical testing. Allele origin: germline.
Comment: The p.D243N variant (also known as c.727G>A), located in coding exon 4 of the LMNA gene, results from a G to A substitution at nucleotide position 727. The aspartic acid at codon 243 is replaced by asparagine, an amino acid with highly similar properties. This amino acid position is well conserved in available vertebrate species. In addition, the in silico prediction for this alteration is inconclusive. Since supporting evidence is limited at this time, the clinical significance of this alteration remains unclear.

NM_170707.4(LMNA):c.727G>A (p.Asp243Asn)

Gene: LMNA (lamin A/C; plus strand). Cytogenetic location: 1q22.
Variant type: single nucleotide variant.
Coding change: c.727G>A on transcript NM_170707.4 (MANE Select); coding-DNA position 727, G replaced by A.
Protein change: p.Asp243Asn; replaces aspartic acid 243 with asparagine.
Molecular consequence: missense variant. On other transcripts: synonymous variant (4).
Genome position (GRCh38, 1-based): chr1:156,134,892, G>A. VCF-style: chr1-156134892-G-A. GRCh37 (hg19) VCF-style: chr1-156104683-G-A.
Other names: c.391G>A, p.Asp131Asn (NM_001257374.3, NM_001406989.1, NM_001406998.1); c.484G>A, p.Asp162Asn (NM_001282624.2, NM_001406986.1, NM_001406987.1); c.727G>A, p.Asp243Asn (NM_001282625.2, NM_001282626.2, NM_001406983.1 and 6 more transcripts); c.430G>A, p.Asp144Asn (NM_001406988.1); c.169G>A, p.Asp57Asn (NM_001406990.1, NM_001406993.1, NM_001406995.1 and 4 more transcripts); c.63G>A, p.Arg21= (NM_001406994.1, NM_001406999.1, NM_001407000.1 and 1 more transcripts); short protein forms D131N, D144N, D162N, D243N, D57N.
Identifiers: ClinVar variation 1758064 (VCV001758064.8), dbSNP rs1165819867, ClinGen allele CA342817277.